The following is an entry in ClinVar:

NM_018060.4(IARS2):c.280dup (p.Ser94fs)

Gene: IARS2 (isoleucyl-tRNA synthetase 2, mitochondrial; plus strand). Cytogenetic location: 1q41.
Variant type: Duplication.
Coding change: c.280dup on transcript NM_018060.4 (MANE Select); coding-DNA position 280, one base duplicated (T; older notation c.280dupT).
Protein change: p.Ser94fs; shifts the reading frame from serine 94.
Molecular consequence: frameshift variant.
Genome position (GRCh38, 1-based): chr1:220,096,116, T duplicated; the last of 4 consecutive T bases (chr1:220,096,113-220,096,116); duplicating any one gives the same sequence. VCF-style (leftmost placement, unchanged base first): chr1-220096112-A-AT. GRCh37 (hg19) VCF-style: chr1-220269454-A-AT.
Other names: c.280dupT (NM_018060.4); short protein forms S94fs.
Identifiers: ClinVar variation 3768372 (VCV003768372.1).

ClinVar aggregate classification (germline): Pathogenic (1 of 4 stars; one submission).

Conditions:
Cataract-growth hormone deficiency-sensory neuropathy-sensorineural hearing loss-skeletal dysplasia syndrome. Also called: Cataracts, growth hormone deficiency, sensory neuropathy, sensorineural hearing loss, and skeletal dysplasia. Identifiers: Orphanet 436174, MedGen C4014942, MONDO:0014455, OMIM 616007.

Submission:

Women's Health and Genetics/Laboratory Corporation of America, LabCorp
Classification: Pathogenic for Cataract-growth hormone deficiency-sensory neuropathy-sensorineural hearing loss-skeletal dysplasia syndrome. Last evaluated: 2024-12-02. Review status: criteria provided, single submitter. Criteria: LabCorp Variant Classification Summary - May 2015. Collection method: clinical testing. Allele origin: germline.
Comment: Variant summary: IARS2 c.280dupT (p.Ser94PhefsX20) results in a premature termination codon, predicted to cause absence of the protein due to nonsense mediated decay, which is a commonly known mechanism for disease. The frequency data for this variant in gnomAD is considered unreliable, as metrics indicate poor data quality at this position. To our knowledge, no occurrence of c.280dupT in individuals affected with Cataract-Growth Hormone Deficiency-Sensory Neuropathy-Sensorineural Hearing Loss-Skeletal Dysplasia Syndrome and no experimental evidence demonstrating its impact on protein function have been reported. No submitters have cited clinical-significance assessments for this variant to ClinVar. Based on the evidence outlined above, the variant was classified as pathogenic.